The following is an entry in ClinVar:

NM_000038.6(APC):c.1009A>G (p.Met337Val)

Gene: APC (APC regulator of Wnt signaling pathway; plus strand). Cytogenetic location: 5q22.2.
Variant type: single nucleotide variant.
Coding change: c.1009A>G on transcript NM_000038.6 (MANE Select); coding-DNA position 1009, A replaced by G.
Protein change: p.Met337Val; replaces methionine 337 with valine.
Molecular consequence: missense variant. On other transcripts: intron variant (4).
Genome position (GRCh38, 1-based): chr5:112,819,041, A>G. VCF-style: chr5-112819041-A-G. GRCh37 (hg19) VCF-style: chr5-112154738-A-G.
Other names: c.1009A>G, p.Met337Val (NM_001127510.3, NM_001354895.2, NM_001354896.2); c.955A>G, p.Met319Val (NM_001127511.3); c.1039A>G, p.Met347Val (NM_001354897.2); c.934A>G, p.Met312Val (NM_001354898.2); c.925A>G, p.Met309Val (NM_001354899.2); c.832A>G, p.Met278Val (NM_001354900.2, NM_001354901.2); c.160A>G, p.Met54Val (NM_001354906.2); c.964-228A>G (NM_001354902.2); and 3 more; short protein forms M319V, M337V, M278V, M309V, M312V, M54V, M347V.
Identifiers: ClinVar variation 495349 (VCV000495349.22), dbSNP rs1438780449, ClinGen allele CA16023515.
Genomic context (GRCh38, chr5:112,819,041, plus strand): 5'-TCATTGTTGTCAATGCTTGGTACTCATGATAAGGATGATATGTCGCGAACTTTGCTAGCT[A>G]TGTCTAGCTCCCAAGACAGCTGTATATCCATGCGACAGTCTGGATGTCTTCCTCTCCTCA-3'
Protein context (NP_000029.2, residues 327-347): KDDMSRTLLA[Met337Val]SSSQDSCISM

ClinVar aggregate classification (germline): Uncertain significance. Review status: criteria provided, multiple submitters, no conflicts (2 of 4 stars). 5 submissions from 5 submitters: Uncertain significance (5). Last evaluated 2025-09-23.

Conditions:
Hereditary cancer-predisposing syndrome. Also called: Hereditary neoplastic syndrome; Tumor predisposition; Hereditary Cancer Syndrome; Neoplastic Syndromes, Hereditary. Identifiers: Orphanet 140162, MedGen C0027672, MeSH D009386, MONDO:0015356.
Familial adenomatous polyposis 1 (FAP1). Also called: FAMILIAL ADENOMATOUS POLYPOSIS 1, ATTENUATED; POLYPOSIS, ADENOMATOUS INTESTINAL. Identifiers: MedGen C2713442, MONDO:0021056, OMIM 175100. Disease mechanism: loss of function.

Allele frequency attached by ClinVar (database versions not stated): TOPMed below 0.00001; gnomAD 0.00001; gnomAD exomes 0.00001.
gnomAD v4.1: 10 of 1,613,870 alleles (0.00062%); highest among the groups gnomAD compares: South Asian, 0.0011%; no homozygotes.

Submissions (5):

Ambry Genetics
Classification: Uncertain significance for Hereditary cancer-predisposing syndrome. Last evaluated: 2025-09-23. Review status: criteria provided, single submitter. Criteria: Ambry Variant Classification Scheme 2023. Collection method: clinical testing. Allele origin: germline.
Comment: The p.M337V variant (also known as c.1009A>G), located in coding exon 9 of the APC gene, results from an A to G substitution at nucleotide position 1009. The methionine at codon 337 is replaced by valine, an amino acid with highly similar properties. This amino acid position is highly conserved in available vertebrate species. In addition, in silico predictors for this gene do not accurately predict pathogenicity. Missense alterations in APC are not a common cause of disease (Spier I et al. Genet Med. 2024 Feb;26(2):100992). Since supporting evidence is limited at this time, the clinical significance of this alteration remains unclear.

Labcorp Genetics (formerly Invitae), Labcorp
Classification: Uncertain significance for Familial adenomatous polyposis 1. Last evaluated: 2024-04-01. Review status: criteria provided, single submitter. Criteria: Invitae Variant Classification Sherloc (09022015). Collection method: clinical testing. Allele origin: germline.
Comment: This sequence change replaces methionine, which is neutral and non-polar, with valine, which is neutral and non-polar, at codon 337 of the APC protein (p.Met337Val). This variant is present in population databases (no rsID available, gnomAD 0.007%). This variant has not been reported in the literature in individuals affected with APC-related conditions. ClinVar contains an entry for this variant (Variation ID: 495349). Advanced modeling of protein sequence and biophysical properties (such as structural, functional, and spatial information, amino acid conservation, physicochemical variation, residue mobility, and thermodynamic stability) performed at Invitae indicates that this missense variant is not expected to disrupt APC protein function with a negative predictive value of 95%. In summary, the available evidence is currently insufficient to determine the role of this variant in disease. Therefore, it has been classified as a Variant of Uncertain Significance.

Color Diagnostics, LLC DBA Color Health
Classification: Uncertain significance for Hereditary cancer-predisposing syndrome. Last evaluated: 2024-03-06. Review status: criteria provided, single submitter. Criteria: ACMG Guidelines, 2015. Collection method: clinical testing. Allele origin: germline.
Comment: This missense variant replaces methionine with valine at codon 337 of the APC protein. Computational prediction suggests that this variant may not impact protein structure and function (internally defined REVEL score threshold <= 0.5, PMID: 27666373). To our knowledge, functional studies have not been reported for this variant. This variant has not been reported in individuals affected with hereditary cancer in the literature. This variant has been identified in 1/31368 chromosomes in the general population by the Genome Aggregation Database (gnomAD). The available evidence is insufficient to determine the role of this variant in disease conclusively. Therefore, this variant is classified as a Variant of Uncertain Significance.

Baylor Genetics
Classification: Uncertain significance for Familial adenomatous polyposis 1. Last evaluated: 2024-02-22. Review status: criteria provided, single submitter. Criteria: ACMG Guidelines, 2015. Collection method: clinical testing. Allele origin: unknown.

Women's Health and Genetics/Laboratory Corporation of America, LabCorp
Classification: Uncertain significance. Last evaluated: 2016-07-25. Review status: criteria provided, single submitter. Criteria: LabCorp Variant Classification Summary - May 2015. Collection method: clinical testing. Allele origin: germline.
Comment: Variant summary: The APC c.1009A>G (p.Met337Val) variant involves the alteration of a conserved nucleotide located at armadillo-type fold domain. 2/4 in silico tools predict a damaging outcome (SNPs&GO not captured due to low reliability index). This variant is absent in 121302 control chromosomes. The variant of interest has not, to our knowledge, been reported in affected individuals via publications and/or reputable databases/clinical diagnostic laboratories; nor evaluated for functional impact by in vivo/vitro studies. Because of the absence of clinical information and the lack of functional studies, the variant is currently classified as a variant of uncertain significance (VUS) until additional information becomes available.